The following is an entry in ClinVar:

NM_020376.4(PNPLA2):c.1211C>T (p.Ser404Leu)

Gene: PNPLA2 (patatin like domain 2, triacylglycerol lipase; plus strand). Cytogenetic location: 11p15.5.
Variant type: single nucleotide variant.
Coding change: c.1211C>T on transcript NM_020376.4 (MANE Select); coding-DNA position 1211, C replaced by T.
Protein change: p.Ser404Leu; replaces serine 404 with leucine.
Molecular consequence: missense variant.
Genome position (GRCh38, 1-based): chr11:824,558, C>T. VCF-style: chr11-824558-C-T. GRCh37 (hg19) VCF-style: chr11-824558-C-T.
Other names: short protein forms S404L.
Identifiers: ClinVar variation 2053274 (VCV002053274.4), dbSNP rs766417535, ClinGen allele CA5791337.

ClinVar aggregate classification (germline): Uncertain significance (1 of 4 stars; one submission).

Conditions:
Neutral lipid storage myopathy (NLSDM). Also called: NEUTRAL LIPID STORAGE DISEASE WITHOUT ICHTHYOSIS. Identifiers: Orphanet 98908, MedGen C1853136, MONDO:0012545, OMIM 610717.

Allele frequency attached by ClinVar (database versions not stated): gnomAD 0.00001; TOPMed 0.00001; ExAC 0.00005.

Submission:

Labcorp Genetics (formerly Invitae), Labcorp
Classification: Uncertain significance for Neutral lipid storage myopathy. Last evaluated: 2022-04-18. Review status: criteria provided, single submitter. Criteria: Invitae Variant Classification Sherloc (09022015). Collection method: clinical testing. Allele origin: germline.
Comment: In summary, the available evidence is currently insufficient to determine the role of this variant in disease. Therefore, it has been classified as a Variant of Uncertain Significance. Algorithms developed to predict the effect of missense changes on protein structure and function are either unavailable or do not agree on the potential impact of this missense change (SIFT: "Deleterious"; PolyPhen-2: "Possibly Damaging"; Align-GVGD: "Class C15"). This variant has not been reported in the literature in individuals affected with PNPLA2-related conditions. The frequency data for this variant in the population databases is considered unreliable, as metrics indicate poor data quality at this position in the gnomAD database. This sequence change replaces serine, which is neutral and polar, with leucine, which is neutral and non-polar, at codon 404 of the PNPLA2 protein (p.Ser404Leu).